The following is an entry in ClinVar:

NM_012308.3(KDM2A):c.58C>T (p.Arg20Ter)

Gene: KDM2A (lysine demethylase 2A; plus strand). Cytogenetic location: 11q13.2.
Variant type: single nucleotide variant.
Coding change: c.58C>T on transcript NM_012308.3 (MANE Select); coding-DNA position 58, C replaced by T.
Protein change: p.Arg20Ter; replaces arginine 20 with a stop codon.
Molecular consequence: nonsense. On other transcripts: non-coding transcript variant (1).
Genome position (GRCh38, 1-based): chr11:67,180,094, C>T. VCF-style: chr11-67180094-C-T. GRCh37 (hg19) VCF-style: chr11-66947565-C-T.
Other names: short protein forms R20*.
Identifiers: ClinVar variation 3778797 (VCV003778797.1).

ClinVar aggregate classification (germline): Pathogenic (1 of 4 stars; one submission).

Conditions:
KDM2A-related neurodevelopmental disorder.

Submission:

Institute of Human Genetics, University of Leipzig Medical Center
Classification: Pathogenic for KDM2A-related neurodevelopmental disorder. Last evaluated: 2025-01-20. Review status: criteria provided, single submitter. Criteria: ACMG Guidelines, 2015. Collection method: research. Allele origin: de novo. Inheritance: Autosomal dominant inheritance. Affected: yes.
Comment: Criteria applied: PVS1, PS2_MOD, PM2P

Literature cited by the submitters: DOI 10.1101/2025.03.31.25324695.